The following is an entry in ClinVar:

ClinVar aggregate classification (germline): Uncertain significance (1 of 4 stars; one submission).

Conditions:
Hereditary cancer-predisposing syndrome. Also called: Neoplastic Syndromes, Hereditary; Tumor predisposition; Hereditary neoplastic syndrome; Hereditary Cancer Syndrome. Identifiers: Orphanet 140162, MedGen C0027672, MeSH D009386, MONDO:0015356.

Submission:

Ambry Genetics
Classification: Uncertain significance for Hereditary cancer-predisposing syndrome. Last evaluated: 2026-07-07. Review status: criteria provided, single submitter. Criteria: Ambry Variant Classification Scheme 2023. Collection method: clinical testing. Allele origin: germline.
Comment: The p.Q375E variant (also known as c.1123C>G), located in coding exon 9 of the SUFU gene, results from a C to G substitution at nucleotide position 1123. The glutamine at codon 375 is replaced by glutamic acid, an amino acid with highly similar properties. This amino acid position is conserved. In addition, this alteration is predicted to be tolerated by in silico analysis. Based on the available evidence, the clinical significance of this variant remains unclear.

NM_016169.4(SUFU):c.1123C>G (p.Gln375Glu)

Gene: SUFU (SUFU negative regulator of hedgehog signaling; plus strand). Cytogenetic location: 10q24.32.
Variant type: single nucleotide variant.
Coding change: c.1123C>G on transcript NM_016169.4 (MANE Select); coding-DNA position 1123, C replaced by G.
Protein change: p.Gln375Glu; replaces glutamine 375 with glutamic acid.
Molecular consequence: missense variant.
Genome position (GRCh38, 1-based): chr10:102,615,368, C>G. VCF-style: chr10-102615368-C-G. GRCh37 (hg19) VCF-style: chr10-104375125-C-G.
Other names: c.1123C>G, p.Gln375Glu (NM_001178133.2); short protein forms Q375E.
Identifiers: ClinVar variation 5030409 (VCV005030409.1).